The following is an entry in ClinVar:

NM_018975.4(TERF2IP):c.219G>C (p.Glu73Asp)

Gene: TERF2IP (TERF2 interacting protein; plus strand). Cytogenetic location: 16q23.1.
Variant type: single nucleotide variant.
Coding change: c.219G>C on transcript NM_018975.4 (MANE Select); coding-DNA position 219, G replaced by C.
Protein change: p.Glu73Asp; replaces glutamic acid 73 with aspartic acid.
Molecular consequence: missense variant. On other transcripts: non-coding transcript variant (1).
Genome position (GRCh38, 1-based): chr16:75,648,101, G>C. VCF-style: chr16-75648101-G-C. GRCh37 (hg19) VCF-style: chr16-75681999-G-C.
Other names: short protein forms E73D.
Identifiers: ClinVar variation 2448536 (VCV002448536.2), dbSNP rs750152484, ClinGen allele CA396817460.

ClinVar aggregate classification (germline): Uncertain significance (1 of 4 stars; one submission).

Submission:

Ambry Genetics
Classification: Uncertain significance. Last evaluated: 2023-01-11. Review status: criteria provided, single submitter. Criteria: Ambry Variant Classification Scheme 2023. Collection method: clinical testing. Allele origin: germline.
Comment: The p.E73D variant (also known as c.219G>C), located in coding exon 1 of the TERF2IP gene, results from a G to C substitution at nucleotide position 219. The glutamic acid at codon 73 is replaced by aspartic acid, an amino acid with highly similar properties. This amino acid position is conserved. In addition, this alteration is predicted to be tolerated by in silico analysis. Since supporting evidence is limited at this time, the clinical significance of this alteration remains unclear.